The following is an entry in ClinVar:

NM_000455.5(STK11):c.233A>C (p.Lys78Thr)

Gene: STK11 (serine/threonine kinase 11; plus strand). Cytogenetic location: 19p13.3.
Variant type: single nucleotide variant.
Coding change: c.233A>C on transcript NM_000455.5 (MANE Select); coding-DNA position 233, A replaced by C.
Protein change: p.Lys78Thr; replaces lysine 78 with threonine.
Molecular consequence: missense variant.
Genome position (GRCh38, 1-based): chr19:1,207,146, A>C. VCF-style: chr19-1207146-A-C. GRCh37 (hg19) VCF-style: chr19-1207145-A-C.
Other names: short protein forms K78T.
Identifiers: ClinVar variation 945808 (VCV000945808.9), dbSNP rs2080672927, ClinGen allele CA402944437.

ClinVar aggregate classification (germline): Uncertain significance (1 of 4 stars; one submission).

Conditions:
Peutz-Jeghers syndrome (PJS). Also called: Peutz-Jeghers polyposis; Periorificial lentiginosis syndrome; POLYPOSIS, HAMARTOMATOUS INTESTINAL; POLYPS-AND-SPOTS SYNDROME. Identifiers: Orphanet 2869, MedGen C0031269, MeSH D010580, MONDO:0008280, OMIM 175200.

Submission:

Labcorp Genetics (formerly Invitae), Labcorp
Classification: Uncertain significance for Peutz-Jeghers syndrome. Last evaluated: 2019-05-13. Review status: criteria provided, single submitter. Criteria: Invitae Variant Classification Sherloc (09022015). Collection method: clinical testing. Allele origin: germline.
Comment: In summary, the available evidence is currently insufficient to determine the role of this variant in disease. Therefore, it has been classified as a Variant of Uncertain Significance. Algorithms developed to predict the effect of missense changes on protein structure and function (SIFT, PolyPhen-2, Align-GVGD) all suggest that this variant is likely to be disruptive, but these predictions have not been confirmed by published functional studies and their clinical significance is uncertain. This variant has not been reported in the literature in individuals with STK11-related conditions. This variant is not present in population databases (ExAC no frequency). This sequence change replaces lysine with threonine at codon 78 of the STK11 protein (p.Lys78Thr). The lysine residue is highly conserved and there is a moderate physicochemical difference between lysine and threonine.